The following is an entry in ClinVar:

NM_021020.5(LZTS1):c.1649A>T (p.Tyr550Phe)

Gene: LZTS1 (leucine zipper tumor suppressor 1; minus strand). Cytogenetic location: 8p21.3.
Variant type: single nucleotide variant.
Coding change: c.1649A>T on transcript NM_021020.5 (MANE Select); coding-DNA position 1649, A replaced by T.
Protein change: p.Tyr550Phe; replaces tyrosine 550 with phenylalanine.
Molecular consequence: missense variant.
Genome position (GRCh38, 1-based): chr8:20,249,864, T>A on the plus strand (A>T on the coding strand, the complement: LZTS1 is on the minus strand). VCF-style: chr8-20249864-T-A. GRCh37 (hg19) VCF-style: chr8-20107375-T-A.
Other names: c.1649A>T, p.Tyr550Phe (NM_001362884.2); short protein forms Y550F.
Identifiers: ClinVar variation 2058857 (VCV002058857.4), dbSNP rs201396798, ClinGen allele CA4657223.

ClinVar aggregate classification (germline): Uncertain significance (1 of 4 stars; one submission).

Allele frequency attached by ClinVar (database versions not stated): TOPMed 0.00008; gnomAD 0.00009; gnomAD exomes 0.00012; ExAC 0.00022; 1000 Genomes Project 0.00040.
gnomAD v4.1: 203 of 1,614,196 alleles (0.013%); highest among the groups gnomAD compares: Middle Eastern, 0.18%; no homozygotes.

Submission:

Labcorp Genetics (formerly Invitae), Labcorp
Classification: Uncertain significance. Last evaluated: 2026-01-21. Review status: criteria provided, single submitter. Criteria: Invitae Variant Classification Sherloc (09022015). Collection method: clinical testing. Allele origin: germline.
Comment: This sequence change replaces tyrosine, which is neutral and polar, with phenylalanine, which is neutral and non-polar, at codon 550 of the LZTS1 protein (p.Tyr550Phe). This variant is present in population databases (rs201396798, gnomAD 0.03%). This variant has not been reported in the literature in individuals affected with LZTS1-related conditions. ClinVar contains an entry for this variant (Variation ID: 2058857). Invitae Evidence Modeling of protein sequence and biophysical properties (such as structural, functional, and spatial information, amino acid conservation, physicochemical variation, residue mobility, and thermodynamic stability) indicates that this missense variant is expected to disrupt LZTS1 protein function with a positive predictive value of 80%. In summary, the available evidence is currently insufficient to determine the role of this variant in disease. Therefore, it has been classified as a Variant of Uncertain Significance.